The following is an entry in ClinVar:

ClinVar aggregate classification (germline): Uncertain significance (1 of 4 stars; one submission).

Submission:

GeneDx
Classification: Uncertain significance. Last evaluated: 2024-05-06. Review status: criteria provided, single submitter. Criteria: GeneDx Variant Classification Process June 2021. Collection method: clinical testing. Allele origin: germline. Affected: yes.
Comment: Not observed at significant frequency in large population cohorts (gnomAD); In silico analysis supports that this missense variant has a deleterious effect on protein structure/function; Has not been previously published as pathogenic or benign to our knowledge

NM_001039591.3(USP9X):c.779G>A (p.Gly260Glu)

Gene: USP9X (ubiquitin specific peptidase 9 X-linked; plus strand). Cytogenetic location: Xp11.4.
Variant type: single nucleotide variant.
Coding change: c.779G>A on transcript NM_001039591.3 (MANE Select); coding-DNA position 779, G replaced by A.
Protein change: p.Gly260Glu; replaces glycine 260 with glutamic acid.
Molecular consequence: missense variant.
Genome position (GRCh38, 1-based): chrX:41,140,974, G>A. VCF-style: chrX-41140974-G-A. GRCh37 (hg19) VCF-style: chrX-41000227-G-A.
Other names: c.779G>A, p.Gly260Glu (NM_001039590.3, NM_001410748.1, NM_001410749.1); short protein forms G260E.
Identifiers: ClinVar variation 3376092 (VCV003376092.1).